The following is an entry in ClinVar:

NM_003482.4(KMT2D):c.11844_11879dup (p.Gln3959_Gln3960insHisGlnGlnGlnGlnGlnGlnLeuGlnGlnGlnGln)

Gene: KMT2D (lysine methyltransferase 2D; minus strand). Cytogenetic location: 12q13.12.
Variant type: Duplication.
Coding change: c.11844_11879dup on transcript NM_003482.4 (MANE Select); coding-DNA positions 11844 to 11879, 36 bases duplicated.
Protein change: p.Gln3959_Gln3960insHisGlnGlnGlnGlnGlnGlnLeuGlnGlnGlnGln.
Molecular consequence: inframe insertion.
Genome position (GRCh38, 1-based): chr12:49,032,826-49,032,861, 36 bases duplicated. GRCh37 (hg19): chr12:49,426,609-49,426,644.
Identifiers: ClinVar variation 2197237 (VCV002197237.4), dbSNP rs1565776631, ClinGen allele CA605233605.

ClinVar aggregate classification (germline): Uncertain significance (1 of 4 stars; one submission).

Conditions:
Kabuki syndrome. Also called: Kabuki make-up syndrome; NIIKAWA-KUROKI SYNDROME. Identifiers: Orphanet 2322, MedGen C0796004, MONDO:0016512.

Allele frequency attached by ClinVar (database versions not stated): gnomAD 0.00003.

Submission:

Labcorp Genetics (formerly Invitae), Labcorp
Classification: Uncertain significance for Kabuki syndrome. Last evaluated: 2025-08-20. Review status: criteria provided, single submitter. Criteria: Invitae Variant Classification Sherloc (09022015). Collection method: clinical testing. Allele origin: germline.
Comment: This variant, c.11844_11879dup, results in the insertion of 12 amino acid(s) of the KMT2D protein (p.Gln3959_Gln3960insHisGlnGlnGlnGlnGlnGlnLeuGlnGlnGlnGln), but otherwise preserves the integrity of the reading frame. The frequency data for this variant in the population databases is considered unreliable, as metrics indicate poor data quality at this position in the gnomAD database. This variant has not been reported in the literature in individuals affected with KMT2D-related conditions. ClinVar contains an entry for this variant (Variation ID: 2197237). Experimental studies and prediction algorithms are not available or were not evaluated, and the functional significance of this variant is currently unknown. In summary, the available evidence is currently insufficient to determine the role of this variant in disease. Therefore, it has been classified as a Variant of Uncertain Significance.